The following is an entry in ClinVar:

NM_015662.3(IFT172):c.2696C>T (p.Ala899Val)

Genes: IFT172 (intraflagellar transport 172; minus strand), LOC126806174 (CDK7 strongly-dependent group 2 enhancer GRCh37_chr2:27681686-27682885; plus strand). Cytogenetic location: 2p23.3.
Variant type: single nucleotide variant.
Coding change: c.2696C>T on transcript NM_015662.3 (MANE Select); coding-DNA position 2696, C replaced by T.
Protein change: p.Ala899Val; replaces alanine 899 with valine.
Molecular consequence: missense variant.
Genome position (GRCh38, 1-based): chr2:27,459,469, G>A on the plus strand (C>T on the coding strand, the complement: IFT172 is on the minus strand). VCF-style: chr2-27459469-G-A. GRCh37 (hg19) VCF-style: chr2-27682336-G-A.
Other names: short protein forms A899V.
Identifiers: ClinVar variation 1001388 (VCV001001388.9), dbSNP rs1666451473, ClinGen allele CA346382333.

ClinVar aggregate classification (germline): Uncertain significance (1 of 4 stars; one submission).

Conditions:
Short-rib thoracic dysplasia 10 with or without polydactyly (SRTD10). Identifiers: Orphanet 474, MedGen C3810175, MONDO:0014284, OMIM 615630.
Retinitis pigmentosa 71 (RP71). Identifiers: Orphanet 791, MedGen C4225342, MONDO:0014618, OMIM 616394.

Submission:

Labcorp Genetics (formerly Invitae), Labcorp
Classification: Uncertain significance for Retinitis pigmentosa 71; Short-rib thoracic dysplasia 10 with or without polydactyly. Last evaluated: 2020-10-28. Review status: criteria provided, single submitter. Criteria: Invitae Variant Classification Sherloc (09022015). Collection method: clinical testing. Allele origin: germline.
Comment: This variant is not present in population databases (ExAC no frequency). This sequence change replaces alanine with valine at codon 899 of the IFT172 protein (p.Ala899Val). The alanine residue is highly conserved and there is a small physicochemical difference between alanine and valine. This variant has not been reported in the literature in individuals with IFT172-related conditions. In summary, the available evidence is currently insufficient to determine the role of this variant in disease. Therefore, it has been classified as a Variant of Uncertain Significance. Algorithms developed to predict the effect of sequence changes on RNA splicing suggest that this variant may create or strengthen a splice site, but this prediction has not been confirmed by published transcriptional studies. Algorithms developed to predict the effect of missense changes on protein structure and function are either unavailable or do not agree on the potential impact of this missense change (SIFT: "Deleterious"; PolyPhen-2: "Possibly Damaging"; Align-GVGD: "Class C0").